The following is an entry in ClinVar:

ClinVar aggregate classification (germline): Likely benign. Review status: criteria provided, multiple submitters, no conflicts (2 of 4 stars). 4 submissions from 4 submitters: Likely benign (3). 1 of the submissions does not count toward it. Last evaluated 2022-07-01.

Conditions:
ANKLE2-related disorder. Also called: ANKLE2-related condition.

Allele frequency attached by ClinVar (database versions not stated): gnomAD exomes 0.00017 and 0.00035; ExAC 0.00044; gnomAD 0.00128 and 0.00139; TOPMed 0.00151; 1000 Genomes Project 0.00180; 1000 Genomes Project 30x 0.00203; ESP Exome Variant Server 0.00204.
gnomAD v4.1: 450 of 1,613,906 alleles (0.028%); highest among the groups gnomAD compares: African/African-American, 0.49%; 2 homozygotes.

Submissions (4):

CeGaT Center for Human Genetics Tuebingen
Classification: Likely benign. Last evaluated: 2022-07-01. Review status: criteria provided, single submitter. Criteria: CeGaT Center For Human Genetics Tuebingen Variant Classification Criteria Version 2. Collection method: clinical testing. Allele origin: germline. Affected: yes. Observed: 1 variant allele.
Comment: ANKLE2: BP4

Laboratorio de Genetica e Diagnostico Molecular, Hospital Israelita Albert Einstein
Classification: Likely benign. Last evaluated: 2020-02-25. Review status: criteria provided, single submitter. Criteria: ACMG Guidelines, 2015. Collection method: clinical testing. Allele origin: germline. Affected: yes.
Comment: ACMG classification criteria: BP1, BP4

Labcorp Genetics (formerly Invitae), Labcorp
Classification: Likely benign. Last evaluated: 2018-03-30. Review status: criteria provided, single submitter. Criteria: Invitae Variant Classification Sherloc (09022015). Collection method: clinical testing. Allele origin: germline.

PreventionGenetics, part of Exact Sciences
Classification: Likely benign for ANKLE2-related condition. Last evaluated: 2020-01-30. Review status: no assertion criteria provided. Collection method: clinical testing. Allele origin: germline. Not counted in ClinVar's aggregate classification.
Comment: This variant is classified as likely benign based on ACMG/AMP sequence variant interpretation guidelines (Richards et al. 2015 PMID: 25741868, with internal and published modifications).

NM_015114.3(ANKLE2):c.863C>T (p.Ser288Leu)

Gene: ANKLE2 (ankyrin repeat and LEM domain containing 2; minus strand). Cytogenetic location: 12q24.33.
Variant type: single nucleotide variant.
Coding change: c.863C>T on transcript NM_015114.3 (MANE Select); coding-DNA position 863, C replaced by T.
Protein change: p.Ser288Leu; replaces serine 288 with leucine.
Molecular consequence: missense variant.
Genome position (GRCh38, 1-based): chr12:132,748,316, G>A on the plus strand (C>T on the coding strand, the complement: ANKLE2 is on the minus strand). VCF-style: chr12-132748316-G-A. GRCh37 (hg19) VCF-style: chr12-133324902-G-A.
Other names: short protein forms S288L.
Identifiers: ClinVar variation 730330 (VCV000730330.36), dbSNP rs185584106, ClinGen allele CA6895836.